The following is an entry in ClinVar:

NM_205850.3(SLC24A5):c.216T>G (p.Tyr72Ter)

Gene: SLC24A5 (solute carrier family 24 member 5; plus strand). Cytogenetic location: 15q21.1.
Variant type: single nucleotide variant.
Coding change: c.216T>G on transcript NM_205850.3 (MANE Select); coding-DNA position 216, T replaced by G.
Protein change: p.Tyr72Ter; replaces tyrosine 72 with a stop codon.
Molecular consequence: nonsense.
Genome position (GRCh38, 1-based): chr15:48,121,951, T>G. VCF-style: chr15-48121951-T-G. GRCh37 (hg19) VCF-style: chr15-48414148-T-G.
Other names: c.216T>G (NM_205850.2); short protein forms Y72*.
Identifiers: ClinVar variation 2137667 (VCV002137667.6), dbSNP rs142056637, ClinGen allele CA7545785.

ClinVar aggregate classification (germline): Pathogenic. Review status: criteria provided, multiple submitters, no conflicts (2 of 4 stars). 3 submissions from 3 submitters: Pathogenic (3). Last evaluated 2026-02-04.

Conditions:
SLC24A5-related disorder. Also called: SLC24A5-related condition.

Allele frequency attached by ClinVar (database versions not stated): gnomAD 0.00002; TOPMed 0.00003; ExAC 0.00004; gnomAD exomes 0.00004; ESP Exome Variant Server 0.00008.
gnomAD v4.1: 56 of 1,614,046 alleles (0.0035%); highest among the groups gnomAD compares: Non-Finnish European, 0.0044%; no homozygotes.

Submissions (3):

GeneDx
Classification: Pathogenic. Last evaluated: 2026-02-04. Review status: criteria provided, single submitter. Criteria: GeneDx Variant Classification Process June 2021. Collection method: clinical testing. Allele origin: germline.
Comment: Nonsense variant predicted to result in protein truncation or nonsense mediated decay in a gene for which loss of function is a known mechanism of disease; This variant is associated with the following publications: (PMID: 31486119, 34426522, 38465142, 40025372, 27734839, 26686029)

Labcorp Genetics (formerly Invitae), Labcorp
Classification: Pathogenic. Last evaluated: 2026-01-15. Review status: criteria provided, single submitter. Criteria: Invitae Variant Classification Sherloc (09022015). Collection method: clinical testing. Allele origin: germline.
Comment: This sequence change creates a premature translational stop signal (p.Tyr72*) in the SLC24A5 gene. It is expected to result in an absent or disrupted protein product. Loss-of-function variants in SLC24A5 are known to be pathogenic (PMID: 23985994, 26686029). This variant is present in population databases (rs142056637, gnomAD 0.005%). This premature translational stop signal has been observed in individual(s) with oculocutaneous albinism (PMID: 27734839). In at least one individual the data is consistent with being in trans (on the opposite chromosome) from a pathogenic variant. ClinVar contains an entry for this variant (Variation ID: 2137667). Algorithms developed to predict the effect of sequence changes on RNA splicing suggest that this variant may disrupt the consensus splice site. For these reasons, this variant has been classified as Pathogenic.

Blueprint Genetics
Classification: Pathogenic for SLC24A5-related disorders. Last evaluated: 2021-11-04. Review status: criteria provided, single submitter. Criteria: ACMG Guidelines, 2015. Collection method: clinical testing. Allele origin: germline. Affected: yes. Observed: 4 variant alleles.

Literature cited by the submitters: PubMed 23985994 (cited by Labcorp Genetics (formerly Invitae), Labcorp); PubMed 26686029 (cited by Labcorp Genetics (formerly Invitae), Labcorp); PubMed 27734839 (cited by Labcorp Genetics (formerly Invitae), Labcorp).